The following is an entry in ClinVar:

ClinVar aggregate classification (germline): Pathogenic (1 of 4 stars; one submission).

gnomAD v4.1: 1 of 1,607,454 alleles (0.000062%); highest among the groups gnomAD compares: Non-Finnish European, 0.000085%; no homozygotes.

Submission:

GeneDx
Classification: Pathogenic. Last evaluated: 2023-04-10. Review status: criteria provided, single submitter. Criteria: GeneDx Variant Classification Process June 2021. Collection method: clinical testing. Allele origin: germline. Affected: yes.
Comment: Canonical splice site variant predicted to result in a null allele in a gene for which loss of function is a known mechanism of disease; Not observed at significant frequency in large population cohorts (gnomAD); This variant is associated with the following publications: (PMID: 27535533, Jia_2020, 34041744)

NM_001320.7(CSNK2B):c.557+1G>A

Gene: CSNK2B (casein kinase 2 beta; plus strand). Cytogenetic location: 6p21.33.
Variant type: single nucleotide variant.
Coding change: c.557+1G>A on transcript NM_001320.7 (MANE Select); the canonical splice donor site of the intron after coding-DNA position 557, G replaced by A.
Molecular consequence: splice donor variant.
Genome position (GRCh38, 1-based): chr6:31,669,509, G>A. VCF-style: chr6-31669509-G-A. GRCh37 (hg19) VCF-style: chr6-31637286-G-A.
Other names: c.548+1G>A (NM_001282385.2).
Identifiers: ClinVar variation 1329627 (VCV001329627.3), dbSNP rs2151189070, ClinGen allele CA363478128.